The following is an entry in ClinVar:

ClinVar aggregate classification (germline): Uncertain significance (1 of 4 stars; one submission).

Conditions:
Nemaline myopathy 2 (NEM2). Also called: Nemaline myopathy 2, autosomal recessive. Identifiers: MedGen C1850569, MONDO:0009725, OMIM 256030.

Allele frequency attached by ClinVar (database versions not stated): gnomAD 0.00001; TOPMed 0.00001.
gnomAD v4.1: 1 of 1,605,846 alleles (0.000062%); highest among the groups gnomAD compares: Admixed American, 0.0017%; no homozygotes.

Submission:

Labcorp Genetics (formerly Invitae), Labcorp
Classification: Uncertain significance for Nemaline myopathy 2. Last evaluated: 2021-09-14. Review status: criteria provided, single submitter. Criteria: Invitae Variant Classification Sherloc (09022015). Collection method: clinical testing. Allele origin: germline.
Comment: Algorithms developed to predict the effect of missense changes on protein structure and function are either unavailable or do not agree on the potential impact of this missense change (SIFT: "Deleterious"; PolyPhen-2: "Not Available"; Align-GVGD: "Class C0"). In summary, the available evidence is currently insufficient to determine the role of this variant in disease. Therefore, it has been classified as a Variant of Uncertain Significance. This variant has not been reported in the literature in individuals affected with NEB-related conditions. This sequence change replaces histidine with tyrosine at codon 6271 of the NEB protein (p.His6271Tyr). The histidine residue is moderately conserved and there is a moderate physicochemical difference between histidine and tyrosine. This variant is not present in population databases (ExAC no frequency).

NM_001164508.2(NEB):c.18811C>T (p.His6271Tyr)

Gene: NEB (nebulin; minus strand). Cytogenetic location: 2q23.3.
Variant type: single nucleotide variant.
Coding change: c.18811C>T on transcript NM_001164508.2 (MANE Select); coding-DNA position 18811, C replaced by T.
Protein change: p.His6271Tyr; replaces histidine 6271 with tyrosine.
Molecular consequence: missense variant.
Genome position (GRCh38, 1-based): chr2:151,562,691, G>A on the plus strand (C>T on the coding strand, the complement: NEB is on the minus strand). VCF-style: chr2-151562691-G-A. GRCh37 (hg19) VCF-style: chr2-152419205-G-A.
Other names: c.18811C>T, p.His6271Tyr (NM_001164507.2, NM_001271208.2); c.13708C>T, p.His4570Tyr (NM_004543.5); short protein forms H6271Y, H4570Y.
Identifiers: ClinVar variation 1380953 (VCV001380953.6), dbSNP rs932662350, ClinGen allele CA57656212.